The following is an entry in ClinVar:

ClinVar aggregate classification (germline): Uncertain significance (1 of 4 stars; one submission).

Allele frequency attached by ClinVar (database versions not stated): ExAC 0.00001; gnomAD 0.00001; gnomAD exomes 0.00001; TOPMed 0.00001.
gnomAD v4.1: 19 of 1,613,504 alleles (0.0012%); highest among the groups gnomAD compares: Non-Finnish European, 0.0016%; no homozygotes.

Submission:

Ambry Genetics
Classification: Uncertain significance. Last evaluated: 2023-10-29. Review status: criteria provided, single submitter. Criteria: Ambry Variant Classification Scheme 2023. Collection method: clinical testing. Allele origin: germline.
Comment: The p.S746G variant (also known as c.2236A>G), located in coding exon 12 of the PALLD gene, results from an A to G substitution at nucleotide position 2236. The serine at codon 746 is replaced by glycine, an amino acid with similar properties. This amino acid position is conserved. In addition, the in silico prediction for this alteration is inconclusive. Since supporting evidence is limited at this time, the clinical significance of this alteration remains unclear.

NM_001166108.2(PALLD):c.2287A>G (p.Ser763Gly)

Genes: CBR4 (carbonyl reductase 4; minus strand), PALLD (palladin, cytoskeletal associated protein; plus strand). Cytogenetic location: 4q32.3.
Variant type: single nucleotide variant.
Coding change: c.2287A>G on transcript NM_001166108.2 (MANE Select); coding-DNA position 2287, A replaced by G.
Protein change: p.Ser763Gly; replaces serine 763 with glycine.
Molecular consequence: missense variant.
Genome position (GRCh38, 1-based): chr4:168,898,529, A>G. VCF-style: chr4-168898529-A-G. GRCh37 (hg19) VCF-style: chr4-169819680-A-G.
Other names: c.1090A>G, p.Ser364Gly (NM_001166109.2); c.775A>G, p.Ser259Gly (NM_001166110.2); c.115A>G, p.Ser39Gly (NM_001367567.1, NM_001367569.1); c.166A>G, p.Ser56Gly (NM_001367568.1, NM_001367570.1); c.2236A>G, p.Ser746Gly (NM_016081.4); short protein forms S56G, S763G, S259G, S364G, S746G, S39G.
Identifiers: ClinVar variation 1788189 (VCV001788189.2), dbSNP rs780143134, ClinGen allele CA3135867.